The following is an entry in ClinVar:

NM_014251.3(SLC25A13):c.15+9G>A

Genes: SLC25A13 (solute carrier family 25 member 13; minus strand), LOC129998833 (ATAC-STARR-seq lymphoblastoid silent region 18384; plus strand). Cytogenetic location: 7q21.3.
Variant type: single nucleotide variant.
Coding change: c.15+9G>A on transcript NM_014251.3 (MANE Select); 9 bases into the intron after coding-DNA position 15, G replaced by A.
Molecular consequence: intron variant.
Genome position (GRCh38, 1-based): chr7:96,321,933, C>T on the plus strand (G>A on the coding strand, the complement: SLC25A13 is on the minus strand). VCF-style: chr7-96321933-C-T. GRCh37 (hg19) VCF-style: chr7-95951245-C-T.
Other names: c.15+9G>A (NM_001160210.2).
Identifiers: ClinVar variation 390887 (VCV000390887.8), dbSNP rs1044447024, ClinGen allele CA16605165.

ClinVar aggregate classification (germline): Likely benign. Review status: criteria provided, multiple submitters, no conflicts (2 of 4 stars). 3 submissions from 3 submitters: Likely benign (2). 1 of the submissions does not count toward it. Last evaluated 2022-04-12.

Conditions:
SLC25A13-related disorder. Also called: SLC25A13-related condition.
Citrin deficiency. Identifiers: Orphanet 247582, MedGen C1997910, MONDO:0016602.

Allele frequency attached by ClinVar (database versions not stated): TOPMed below 0.00001; gnomAD 0.00001.

Submissions (3):

Labcorp Genetics (formerly Invitae), Labcorp
Classification: Likely benign for Citrin deficiency. Last evaluated: 2022-04-12. Review status: criteria provided, single submitter. Criteria: Invitae Variant Classification Sherloc (09022015). Collection method: clinical testing. Allele origin: germline.

GeneDx
Classification: Likely benign. Last evaluated: 2016-11-16. Review status: criteria provided, single submitter. Criteria: GeneDx Variant Classification (06012015). Collection method: clinical testing. Allele origin: germline. Affected: yes.
Comment: This variant is considered likely benign or benign based on one or more of the following criteria: it is a conservative change, it occurs at a poorly conserved position in the protein, it is predicted to be benign by multiple in silico algorithms, and/or has population frequency not consistent with disease.

PreventionGenetics, part of Exact Sciences
Classification: Likely benign for SLC25A13-related condition. Last evaluated: 2021-09-13. Review status: no assertion criteria provided. Collection method: clinical testing. Allele origin: germline. Not counted in ClinVar's aggregate classification.
Comment: This variant is classified as likely benign based on ACMG/AMP sequence variant interpretation guidelines (Richards et al. 2015 PMID: 25741868, with internal and published modifications).